The following is an entry in ClinVar:

NM_007294.4(BRCA1):c.1A>T (p.Met1Leu)

Gene: BRCA1 (BRCA1 DNA repair associated; minus strand). Cytogenetic location: 17q21.31.
Variant type: single nucleotide variant.
Coding change: c.1A>T on transcript NM_007294.4 (MANE Select); coding-DNA position 1, A replaced by T.
Protein change: p.Met1Leu; changes the start codon (methionine 1).
Molecular consequence: missense variant, initiator codon variant. On other transcripts: 5 prime UTR variant (1), non-coding transcript variant (1).
Genome position (GRCh38, 1-based): chr17:43,124,096, T>A on the plus strand (A>T on the coding strand, the complement: BRCA1 is on the minus strand). VCF-style: chr17-43124096-T-A. GRCh37 (hg19) VCF-style: chr17-41276113-T-A.
Other names: c.-188A>T (NM_001407571.1, NM_001407853.1, NM_001407879.1 and 46 more transcripts); c.1A>T, p.Met1Leu (NM_001407581.1, NM_001407582.1, NM_001407583.1 and 193 more transcripts); c.-257A>T (NM_001407694.1, NM_001407724.1, NM_001407727.1 and 11 more transcripts); c.-261A>T (NM_001407695.1, NM_001408465.1); c.-402A>T (NM_001407696.1); c.-286A>T (NM_001407697.1, NM_001407846.1, NM_001407920.1); c.-87A>T (NM_001407698.1, NM_001407732.1, NM_001407736.1 and 23 more transcripts); c.-260A>T (NM_001407725.1, NM_001407730.1, NM_001407734.1 and 22 more transcripts); and 8 more; short protein forms M1L.
Identifiers: ClinVar variation 867672 (VCV000867672.4), dbSNP rs80357287, ClinGen allele CA10602155.

Conditions:
Breast-ovarian cancer, familial, susceptibility to, 1 (BROVCA1). Also called: BRCA1 Hereditary Breast and Ovarian Cancer; OVARIAN CANCER, SUSCEPTIBILITY TO. Identifiers: Orphanet 145, MedGen C2676676, MONDO:0011450, OMIM 604370. Disease mechanism: loss of function.

Submission:

Brotman Baty Institute, University of Washington
No classification provided (evidence only). Condition: Breast-ovarian cancer, familial 1. Review status: no classification provided. Collection method: in vitro. Allele origin: not applicable. Functional consequence: functionally_abnormal.
ClinVar note: "not provided" was previously submitted as the classification for the variant. However, the classification appeared to be based only on an observation of functional data so it was converted to no classification on 2025-07-30.